The following is an entry in ClinVar:

ClinVar aggregate classification (germline): Likely pathogenic. Review status: criteria provided, multiple submitters, no conflicts (2 of 4 stars). 2 submissions from 2 submitters: Likely pathogenic (2). Last evaluated 2025-01-13.

Conditions:
TP63-Related Spectrum Disorders.

Submissions (2):

Labcorp Genetics (formerly Invitae), Labcorp
Classification: Likely pathogenic. Last evaluated: 2025-01-13. Review status: criteria provided, single submitter. Criteria: Invitae Variant Classification Sherloc (09022015). Collection method: clinical testing. Allele origin: germline.
Comment: This sequence change replaces cysteine, which is neutral and slightly polar, with tyrosine, which is neutral and polar, at codon 561 of the TP63 protein (p.Cys561Tyr). This variant is not present in population databases (gnomAD no frequency). This variant has not been reported in the literature in individuals affected with TP63-related conditions. ClinVar contains an entry for this variant (Variation ID: 373405). Invitae Evidence Modeling incorporating data from in vitro experimental studies (internal data) indicates that this missense variant is expected to disrupt TP63 function with a positive predictive value of 95%. This variant disrupts the p.Cys561 amino acid residue in TP63. Other variant(s) that disrupt this residue have been determined to be pathogenic (PMID: 11159940; internal data). This suggests that this residue is clinically significant, and that variants that disrupt this residue are likely to be disease-causing. In summary, the currently available evidence indicates that the variant is pathogenic, but additional data are needed to prove that conclusively. Therefore, this variant has been classified as Likely Pathogenic.

GeneDx
Classification: Likely pathogenic. Last evaluated: 2016-12-05. Review status: criteria provided, single submitter. Criteria: GeneDx Variant Classification (06012015). Collection method: clinical testing. Allele origin: germline. Affected: yes.
Comment: The C561Y variant in the TP63 gene has not been reported previously as a pathogenic variant, nor as a benign variant, to our knowledge. The C561Y variant was not observed in approximately 6,500 individuals of European and African American ancestry in the NHLBI Exome Sequencing Project, indicating it is not a common benign variant in these populations. The C561Y variant is a non-conservative amino acid substitution, which occurs at a position that is conserved across species. While in silico analysis is inconsistent in its predictions as to whether or not the variant is damaging to the protein structure/function, missense variants at this residue (C561G, C561R, C561W) and in nearby residues (G557V, L562P, F565L) have been reported in the Human Gene Mutation Database in association with AEC syndrome (Stenson et al., 2014), supporting the functional importance of this region of the protein. Therefore, we interpret C561Y as a likely pathogenic variant; however, the possibility it may be a rare benign variant cannot be completely excluded.

Literature cited by the submitters: PubMed 11159940 (cited by Labcorp Genetics (formerly Invitae), Labcorp).

NM_003722.5(TP63):c.1682G>A (p.Cys561Tyr)

Gene: TP63 (tumor protein p63; plus strand). Cytogenetic location: 3q28.
Variant type: single nucleotide variant.
Coding change: c.1682G>A on transcript NM_003722.5 (MANE Select); coding-DNA position 1682, G replaced by A.
Protein change: p.Cys561Tyr; replaces cysteine 561 with tyrosine.
Molecular consequence: missense variant. On other transcripts: intron variant (6).
Genome position (GRCh38, 1-based): chr3:189,890,818, G>A. VCF-style: chr3-189890818-G-A. GRCh37 (hg19) VCF-style: chr3-189608607-G-A.
Other names: c.1400G>A, p.Cys467Tyr (NM_001114980.2); c.1145G>A, p.Cys382Tyr (NM_001329146.2); c.1670G>A, p.Cys557Tyr (NM_001329148.2); c.1676G>A, p.Cys559Tyr (NM_001329964.2); c.1652+1334G>A (NM_001114978.2); c.1508-3388G>A (NM_001329144.2); c.1370+1334G>A (NM_001114981.2); c.1226-3388G>A (NM_001329145.2); and 2 more; short protein forms C561Y, C467Y, C559Y, C382Y, C557Y.
Identifiers: ClinVar variation 373405 (VCV000373405.4), dbSNP rs1057518399, ClinGen allele CA16042469.